The following is an entry in ClinVar:

NM_000231.3(SGCG):c.302C>A (p.Ser101Ter)

Gene: SGCG (sarcoglycan gamma; plus strand). Cytogenetic location: 13q12.12.
Variant type: single nucleotide variant.
Coding change: c.302C>A on transcript NM_000231.3 (MANE Select); coding-DNA position 302, C replaced by A.
Protein change: p.Ser101Ter; replaces serine 101 with a stop codon.
Molecular consequence: nonsense.
Genome position (GRCh38, 1-based): chr13:23,250,634, C>A. VCF-style: chr13-23250634-C-A. GRCh37 (hg19) VCF-style: chr13-23824773-C-A.
Other names: c.356C>A, p.Ser119Ter (NM_001378244.1); c.302C>A, p.Ser101Ter (NM_001378245.1, NM_001378246.1); short protein forms S101*, S119*.
Identifiers: ClinVar variation 1725964 (VCV001725964.2), dbSNP rs886042370, ClinGen allele CA387501531.

ClinVar aggregate classification (germline): Likely pathogenic (1 of 4 stars; one submission).

Conditions:
Autosomal recessive limb-girdle muscular dystrophy type 2C (LGMDR5). Also called: MUSCULAR DYSTROPHY, LIMB-GIRDLE, AUTOSOMAL RECESSIVE 5; MUSCULAR DYSTROPHY, DUCHENNE-LIKE. Identifiers: Orphanet 353, MedGen C0410173, MONDO:0009677, OMIM 253700. Disease mechanism: Affects gamma-sarcoglycan and also disrupts the integrity of the entire sarcoglycan complex..

Submission:

Myriad Genetics, Inc.
Classification: Likely pathogenic for Autosomal recessive limb-girdle muscular dystrophy type 2C. Last evaluated: 2022-04-24. Review status: criteria provided, single submitter. Criteria: Myriad Women's Health Autosomal Recessive and X-Linked Classification Criteria (2021). Collection method: clinical testing. Allele origin: unknown.
Comment: NM_000231.2(SGCG):c.302C>A(S101*) is expected to be pathogenic in the context of gamma-sarcoglycanopathy. This variant is predicted to lead to an abnormal or absent protein product due to the creation of a premature termination codon in SGCG, a gene where loss-of-function variants are known to be pathogenic. Please note: this variant was assessed in the context of healthy population screening.